The following is an entry in ClinVar:

ClinVar aggregate classification (germline): Likely benign (1 of 4 stars; one submission).

gnomAD v4.1: 1 of 1,606,492 alleles (0.000062%); highest among the groups gnomAD compares: Non-Finnish European, 0.000085%; no homozygotes.

Submission:

CeGaT Center for Human Genetics Tuebingen
Classification: Likely benign. Last evaluated: 2025-12-01. Review status: criteria provided, single submitter. Criteria: CeGaT Center For Human Genetics Tuebingen Variant Classification Criteria Version 2. Collection method: clinical testing. Allele origin: germline. Affected: yes. Observed: 1 variant allele.
Comment: ATP1A1: BP4, BP7

NM_000701.8(ATP1A1):c.1923G>A (p.Val641=)

Genes: ATP1A1 (ATPase Na+/K+ transporting subunit alpha 1; plus strand), ATP1A1-AS1 (ATP1A1 antisense RNA 1; minus strand). Cytogenetic location: 1p13.1.
Variant type: single nucleotide variant.
Coding change: c.1923G>A on transcript NM_000701.8 (MANE Select); coding-DNA position 1923, G replaced by A.
Protein change: p.Val641=; no amino-acid change (valine 641 retained).
Molecular consequence: synonymous variant.
Genome position (GRCh38, 1-based): chr1:116,396,684, G>A. VCF-style: chr1-116396684-G-A. GRCh37 (hg19) VCF-style: chr1-116939306-G-A.
Other names: c.1923G>A, p.Val641= (NM_001160233.2); c.1830G>A, p.Val610= (NM_001160234.2).
Identifiers: ClinVar variation 4681943 (VCV004681943.5).
Genomic context (GRCh38, chr1:116,396,684, plus strand): 5'-AATCACAGCTAAAGCTATTGCCAAAGGTGTGGGCATCATCTCAGAAGGCAATGAGACCGT[G>A]GAAGACATTGCTGCCCGCCTCAACATCCCAGTCAGCCAGGTGAACCCCAGGTAAGGCAGG-3'
Protein context (NP_000692.2, residues 631-651): VGIISEGNET[Val641=]EDIAARLNIP